The following is an entry in ClinVar:

ClinVar aggregate classification (germline): Pathogenic. Review status: criteria provided, single submitter (1 of 4 stars). 2 submissions from 2 submitters: Pathogenic (1). 1 of the submissions does not count toward it. Last evaluated 2022-10-27.

Conditions:
Hereditary cancer-predisposing syndrome. Also called: Hereditary Cancer Syndrome; Hereditary neoplastic syndrome; Neoplastic Syndromes, Hereditary; Tumor predisposition. Identifiers: Orphanet 140162, MedGen C0027672, MeSH D009386, MONDO:0015356.
Familial meningioma. Also called: Meningioma, familial, susceptibility to. Identifiers: Orphanet 263662, MedGen C3551915, MONDO:0011789, OMIM 607174.

Submissions (2):

Ambry Genetics
Classification: Pathogenic for Hereditary cancer-predisposing syndrome. Last evaluated: 2022-10-27. Review status: criteria provided, single submitter. Criteria: Ambry Variant Classification Scheme 2023. Collection method: clinical testing. Allele origin: germline.
Comment: The c.439delA pathogenic mutation, located in coding exon 6 of the SMARCE1 gene, results from a deletion of one nucleotide at nucleotide position 439, causing a translational frameshift with a predicted alternate stop codon (p.S147Vfs*7). This alteration is expected to result in loss of function by premature protein truncation or nonsense-mediated mRNA decay. Loss-of-function variants in SMARCE1 are known to cause increased risk of meningiomas; however, such associations with neurodevelopmental disorders are exceedingly rare (Kosho T et al. Am J Med Genet C Semin Med Genet. 2014 Sep;166C(3):262-75; Smith JM et al. Nat Genet. 2013 Mar;45(3):295-8). Based on the supporting evidence, this alteration is pathogenic for an increased risk of meningiomas; however, the association of this alteration with Coffin-Siris syndrome is unlikely.

Medical Genetics, Meyer Children Hospital
Classification: Pathogenic for Familial meningioma. Review status: no assertion criteria provided. Collection method: clinical testing. Allele origin: germline. Inheritance: Autosomal dominant inheritance. Affected: yes. Observed: 1 heterozygote. Not counted in ClinVar's aggregate classification.

Literature cited by the submitters: PubMed 26803492 (cited by Medical Genetics, Meyer Children Hospital).

NM_003079.5(SMARCE1):c.439del (p.Ser147fs)

Gene: SMARCE1 (SWI/SNF related BAF chromatin remodeling complex subunit E1; minus strand). Cytogenetic location: 17q21.2.
Variant type: Deletion.
Coding change: c.439del on transcript NM_003079.5 (MANE Select); coding-DNA position 439, one base deleted (A; older notation c.439delA).
Protein change: p.Ser147fs; shifts the reading frame from serine 147.
Molecular consequence: frameshift variant.
Genome position (GRCh38, 1-based): chr17:40,636,033, T deleted on the plus strand (A on the coding strand, the reverse complement: SMARCE1 is on the minus strand); the first of 5 consecutive T bases (chr17:40,636,033-40,636,037); deleting any one gives the same sequence. VCF-style (leftmost placement, unchanged base first): chr17-40636032-CT-C. GRCh37 (hg19) VCF-style: chr17-38792284-CT-C.
Other names: c.439delA (NM_003079.4, NM_003079.5); short protein forms S147fs.
Identifiers: ClinVar variation 1740283 (VCV001740283.4), dbSNP rs2143996366, ClinGen allele CA2580093780.